The following is an entry in ClinVar:

NM_001267550.2(TTN):c.54711T>G (p.Leu18237=)

Genes: TTN-AS1 (TTN antisense RNA 1; plus strand), TTN (titin; minus strand). Cytogenetic location: 2q31.2.
Variant type: single nucleotide variant.
Coding change: c.54711T>G on transcript NM_001267550.2 (MANE Select); coding-DNA position 54711, T replaced by G.
Protein change: p.Leu18237=; no amino-acid change (leucine 18237 retained).
Molecular consequence: synonymous variant.
Genome position (GRCh38, 1-based): chr2:178,603,976, A>C on the plus strand (T>G on the coding strand, the complement: TTN is on the minus strand). VCF-style: chr2-178603976-A-C. GRCh37 (hg19) VCF-style: chr2-179468703-A-C.
Other names: c.49788T>G, p.Leu16596= (NM_001256850.1); c.27516T>G, p.Leu9172= (NM_003319.4); c.47007T>G, p.Leu15669= (NM_133378.4); c.27891T>G, p.Leu9297= (NM_133432.3); c.28092T>G, p.Leu9364= (NM_133437.4).
Identifiers: ClinVar variation 2571107 (VCV002571107.27), dbSNP rs2470113843, ClinGen allele CA430269728.
Genomic context (GRCh38, chr2:178,603,976, plus strand): 5'-GGGAGGACCAATTCCTGCAGCATTTATTGCCATGGCTCTGAACTGGTATTTAACGCCTTC[A>C]AGCAAACGAGGAACATTAAATTCCACGCCTTTCAATCCCACTTTGGTTATTGGTGCTCGG-3'
Protein context (NP_001254479.2, residues 18227-18247): KGVEFNVPRL[Leu18237=]EGVKYQFRAM

ClinVar aggregate classification (germline): Likely benign (1 of 4 stars; one submission).

Submission:

CeGaT Center for Human Genetics Tuebingen
Classification: Likely benign. Last evaluated: 2023-06-01. Review status: criteria provided, single submitter. Criteria: CeGaT Center For Human Genetics Tuebingen Variant Classification Criteria Version 2. Collection method: clinical testing. Allele origin: germline. Affected: yes. Observed: 1 variant allele.
Comment: TTN: PM2:Supporting, BP4, BP7